The following is an entry in ClinVar:

ClinVar aggregate classification (germline): Benign/Likely benign. Review status: criteria provided, multiple submitters, no conflicts (2 of 4 stars). 8 submissions from 8 submitters: Benign (1); Likely benign (7). Last evaluated 2026-07-22.

Conditions:
ATM-related disorder. Also called: ATM-related disorders; ATM-related condition.
Hereditary cancer-predisposing syndrome. Also called: Neoplastic Syndromes, Hereditary; Tumor predisposition; Hereditary Cancer Syndrome; Hereditary neoplastic syndrome. Identifiers: Orphanet 140162, MedGen C0027672, MeSH D009386, MONDO:0015356.
Familial cancer of breast. Also called: hereditary breast carcinoma; BREAST CANCER, FAMILIAL; Hereditary breast cancer. Identifiers: Orphanet 227535, MedGen C0346153, MONDO:0016419, OMIM 114480. Disease mechanism: loss of function.
Ataxia-telangiectasia syndrome (AT). Also called: LOUIS-BAR SYNDROME; Cerebello-oculocutaneous telangiectasia; Immunodeficiency with ataxia telangiectasia; Ataxia-telangiectasia, complementation group E; Ataxia-telangiectasia, complementation group D; AT, COMPLEMENTATION GROUP C. Identifiers: Orphanet 100, MedGen C0004135, MONDO:0008840, OMIM 208900.

Allele frequency attached by ClinVar (database versions not stated): gnomAD 0.00001; gnomAD exomes 0.00001 and 0.00002; TOPMed 0.00001; ExAC 0.00002; ESP Exome Variant Server 0.00008.
gnomAD v4.1: 16 of 1,610,676 alleles (0.00099%); highest among the groups gnomAD compares: Non-Finnish European, 0.0012%; no homozygotes.

Submissions (8):

PreventionGenetics, part of Exact Sciences
Classification: Likely benign for ATM-related condition. Last evaluated: 2026-07-22. Review status: criteria provided, single submitter. Criteria: ACMG Guidelines, 2015. Collection method: clinical testing. Allele origin: germline.
Comment: This variant is classified as likely benign based on ACMG/AMP sequence variant interpretation guidelines (Richards et al. 2015 PMID: 25741868, with internal and published modifications).

Labcorp Genetics (formerly Invitae), Labcorp
Classification: Likely benign for Ataxia-telangiectasia syndrome. Last evaluated: 2025-11-25. Review status: criteria provided, single submitter. Criteria: Invitae Variant Classification Sherloc (09022015). Collection method: clinical testing. Allele origin: germline.

ARUP Laboratories, Molecular Genetics and Genomics, ARUP Laboratories
Classification: Likely benign. Last evaluated: 2024-10-08. Review status: criteria provided, single submitter. Criteria: ARUP Molecular Germline Variant Investigation Process 2024. Collection method: clinical testing. Allele origin: germline.

Myriad Genetics, Inc.
Classification: Benign for Familial cancer of breast. Last evaluated: 2024-05-07. Review status: criteria provided, single submitter. Criteria: Myriad Autosomal Dominant, Autosomal Recessive and X-Linked Classification Criteria (2023). Collection method: clinical testing. Allele origin: unknown.
Comment: This variant is considered benign. This variant is a silent/synonymous amino acid change and it is not expected to impact splicing.

GeneDx
Classification: Likely benign. Last evaluated: 2019-04-30. Review status: criteria provided, single submitter. Criteria: GeneDx Variant Classification Process June 2021. Collection method: clinical testing. Allele origin: germline. Affected: yes.
Comment: This variant is associated with the following publications: (PMID: 28726808, 28779002)

Genetic Services Laboratory, University of Chicago
Classification: Likely benign. Last evaluated: 2019-02-18. Review status: criteria provided, single submitter. Criteria: ACMG Guidelines, 2015. Collection method: clinical testing. Allele origin: germline. Affected: no.

Ambry Genetics
Classification: Likely benign for Hereditary cancer-predisposing syndrome. Last evaluated: 2017-08-16. Review status: criteria provided, single submitter. Criteria: Ambry Variant Classification Scheme 2023. Collection method: clinical testing. Allele origin: germline.

Color Diagnostics, LLC DBA Color Health
Classification: Likely benign for Hereditary cancer-predisposing syndrome. Last evaluated: 2016-06-23. Review status: criteria provided, single submitter. Criteria: ACMG Guidelines, 2015. Collection method: clinical testing. Allele origin: germline.

NM_000051.4(ATM):c.2175C>T (p.Val725=)

Gene: ATM (ATM serine/threonine kinase; plus strand). Cytogenetic location: 11q22.3.
Variant type: single nucleotide variant.
Coding change: c.2175C>T on transcript NM_000051.4 (MANE Select); coding-DNA position 2175, C replaced by T.
Protein change: p.Val725=; no amino-acid change (valine 725 retained).
Molecular consequence: synonymous variant.
Genome position (GRCh38, 1-based): chr11:108,256,265, C>T. VCF-style: chr11-108256265-C-T. GRCh37 (hg19) VCF-style: chr11-108126992-C-T.
Other names: c.2175C>T, p.Val725= (NM_001351834.2).
Identifiers: ClinVar variation 381009 (VCV000381009.27), dbSNP rs140110298, ClinGen allele CA6264962.